The following is an entry in ClinVar:

ClinVar aggregate classification (germline): Uncertain significance (1 of 4 stars; one submission).

Conditions:
Pure or complex autosomal recessive spastic paraplegia. Identifiers: Orphanet 320346, MedGen C5679887, MONDO:0017915.

Allele frequency attached by ClinVar (database versions not stated): gnomAD exomes below 0.00001.

Submission:

Labcorp Genetics (formerly Invitae), Labcorp
Classification: Uncertain significance for Pure or complex autosomal recessive spastic paraplegia. Last evaluated: 2021-02-25. Review status: criteria provided, single submitter. Criteria: Invitae Variant Classification Sherloc (09022015). Collection method: clinical testing. Allele origin: germline.
Comment: In summary, the available evidence is currently insufficient to determine the role of this variant in disease. Therefore, it has been classified as a Variant of Uncertain Significance. Algorithms developed to predict the effect of missense changes on protein structure and function are either unavailable or do not agree on the potential impact of this missense change (SIFT: "Deleterious"; PolyPhen-2: "Not Available"; Align-GVGD: "Class C0"). This variant has not been reported in the literature in individuals with ZFR-related conditions. This variant is not present in population databases (ExAC no frequency). This sequence change replaces leucine with phenylalanine at codon 929 of the ZFR protein (p.Leu929Phe). The leucine residue is highly conserved and there is a small physicochemical difference between leucine and phenylalanine.

NM_016107.5(ZFR):c.2785C>T (p.Leu929Phe)

Gene: ZFR (zinc finger RNA binding protein; minus strand). Cytogenetic location: 5p13.3.
Variant type: single nucleotide variant.
Coding change: c.2785C>T on transcript NM_016107.5 (MANE Select); coding-DNA position 2785, C replaced by T.
Protein change: p.Leu929Phe; replaces leucine 929 with phenylalanine.
Molecular consequence: missense variant. On other transcripts: non-coding transcript variant (1).
Genome position (GRCh38, 1-based): chr5:32,379,165, G>A on the plus strand (C>T on the coding strand, the complement: ZFR is on the minus strand). VCF-style: chr5-32379165-G-A. GRCh37 (hg19) VCF-style: chr5-32379271-G-A.
Other names: short protein forms L929F.
Identifiers: ClinVar variation 1043537 (VCV001043537.9), dbSNP rs1752886749, ClinGen allele CA359350478.